The following is an entry in ClinVar:

NM_007208.4(MRPL3):c.734C>G (p.Thr245Ser)

Gene: MRPL3 (mitochondrial ribosomal protein L3; minus strand). Cytogenetic location: 3q22.1.
Variant type: single nucleotide variant.
Coding change: c.734C>G on transcript NM_007208.4 (MANE Select); coding-DNA position 734, C replaced by G.
Protein change: p.Thr245Ser; replaces threonine 245 with serine.
Molecular consequence: missense variant.
Genome position (GRCh38, 1-based): chr3:131,471,175, G>C on the plus strand (C>G on the coding strand, the complement: MRPL3 is on the minus strand). VCF-style: chr3-131471175-G-C. GRCh37 (hg19) VCF-style: chr3-131190019-G-C.
Other names: c.734C>G (NM_007208.3); short protein forms T245S.
Identifiers: ClinVar variation 2188677 (VCV002188677.3), dbSNP rs772525073, ClinGen allele CA2616966.

ClinVar aggregate classification (germline): Uncertain significance. Review status: criteria provided, multiple submitters, no conflicts (2 of 4 stars). 2 submissions from 2 submitters: Uncertain significance (2). Last evaluated 2025-08-09.

Allele frequency attached by ClinVar (database versions not stated): gnomAD exomes below 0.00001; ExAC 0.00001; gnomAD 0.00001; TOPMed 0.00006.
gnomAD v4.1: 7 of 1,608,970 alleles (0.00044%); highest among the groups gnomAD compares: Admixed American, 0.005%; no homozygotes.

Submissions (2):

Ambry Genetics
Classification: Uncertain significance. Last evaluated: 2025-08-09. Review status: criteria provided, single submitter. Criteria: Ambry Variant Classification Scheme 2023. Collection method: clinical testing. Allele origin: germline.

Labcorp Genetics (formerly Invitae), Labcorp
Classification: Uncertain significance. Last evaluated: 2022-04-26. Review status: criteria provided, single submitter. Criteria: Invitae Variant Classification Sherloc (09022015). Collection method: clinical testing. Allele origin: germline.
Comment: This sequence change replaces threonine, which is neutral and polar, with serine, which is neutral and polar, at codon 245 of the MRPL3 protein (p.Thr245Ser). This variant is present in population databases (rs772525073, gnomAD 0.003%). This variant has not been reported in the literature in individuals affected with MRPL3-related conditions. Algorithms developed to predict the effect of missense changes on protein structure and function (SIFT, PolyPhen-2, Align-GVGD) all suggest that this variant is likely to be tolerated. In summary, the available evidence is currently insufficient to determine the role of this variant in disease. Therefore, it has been classified as a Variant of Uncertain Significance.